The following is an entry in ClinVar:

ClinVar aggregate classification (germline): Benign/Likely benign. Review status: criteria provided, multiple submitters, no conflicts (2 of 4 stars). 5 submissions from 5 submitters: Benign (2); Likely benign (3). Last evaluated 2026-03-01.

Conditions:
Hereditary spastic paraplegia 15 (SPG15). Also called: KJELLIN SYNDROME; SPASTIC PARAPLEGIA AND RETINAL DEGENERATION; SPASTIC PARAPLEGIA 15, AUTOSOMAL RECESSIVE. Identifiers: Orphanet 100996, MedGen C1849128, MONDO:0010044, OMIM 270700.
Spastic paraplegia. Identifiers: MedGen C0037772, HP:0001258.

Allele frequency attached by ClinVar (database versions not stated): gnomAD 0.00033 and 0.00046; gnomAD exomes 0.00036 and 0.00102; TOPMed 0.00057; ExAC 0.00100; 1000 Genomes Project 30x 0.00265; 1000 Genomes Project 0.00280.
gnomAD v4.1: 600 of 1,613,858 alleles (0.037%); highest among the groups gnomAD compares: East Asian, 1.3%; 2 homozygotes.

Submissions (5):

CeGaT Center for Human Genetics Tuebingen
Classification: Likely benign. Last evaluated: 2026-03-01. Review status: criteria provided, single submitter. Criteria: CeGaT Center For Human Genetics Tuebingen Variant Classification Criteria Version 2. Collection method: clinical testing. Allele origin: germline. Affected: yes. Observed: 2 variant alleles.
Comment: ZFYVE26: BP4, BS1

Labcorp Genetics (formerly Invitae), Labcorp
Classification: Benign for Spastic paraplegia. Last evaluated: 2026-01-28. Review status: criteria provided, single submitter. Criteria: Invitae Variant Classification Sherloc (09022015). Collection method: clinical testing. Allele origin: germline.

Blueprint Genetics
Classification: Likely benign. Last evaluated: 2024-10-28. Review status: criteria provided, single submitter. Criteria: ACMG Guidelines, 2015. Collection method: clinical testing. Allele origin: germline.

Genome-Nilou Lab
Classification: Benign for Hereditary spastic paraplegia 15. Last evaluated: 2021-12-05. Review status: criteria provided, single submitter. Criteria: ACMG Guidelines, 2015. Collection method: clinical testing. Allele origin: germline. Affected: no.

Illumina Laboratory Services, Illumina
Classification: Likely benign for Hereditary spastic paraplegia 15. Last evaluated: 2018-01-13. Review status: criteria provided, single submitter. Criteria: ICSL Variant Classification Criteria 13 December 2019. Collection method: clinical testing. Allele origin: germline.
Comment: This variant was observed in the ICSL laboratory as part of a predisposition screen in an ostensibly healthy population. It had not been previously curated by ICSL or reported in the Human Gene Mutation Database (HGMD: prior to June 1st, 2018), and was therefore a candidate for classification through an automated scoring system. Utilizing variant allele frequency, disease prevalence and penetrance estimates, and inheritance mode, an automated score was calculated to assess if this variant is too frequent to cause the disease. Based on the score and internal cut-off values, a variant classified as likely benign is not then subjected to further curation. The score for this variant resulted in a classification of likely benign for this disease.

NM_015346.4(ZFYVE26):c.2481C>A (p.Pro827=)

Gene: ZFYVE26 (zinc finger FYVE-type containing 26; minus strand). Cytogenetic location: 14q24.1.
Variant type: single nucleotide variant.
Coding change: c.2481C>A on transcript NM_015346.4 (MANE Select); coding-DNA position 2481, C replaced by A.
Protein change: p.Pro827=; no amino-acid change (proline 827 retained).
Molecular consequence: synonymous variant.
Genome position (GRCh38, 1-based): chr14:67,793,680, G>T on the plus strand (C>A on the coding strand, the complement: ZFYVE26 is on the minus strand). VCF-style: chr14-67793680-G-T. GRCh37 (hg19) VCF-style: chr14-68260397-G-T.
Identifiers: ClinVar variation 313910 (VCV000313910.25), dbSNP rs139283212, ClinGen allele CA7240265.
Genomic context (GRCh38, chr14:67,793,680, plus strand): 5'-TGCGAAGTTCCCGCGAAGGATGCAGGATGCCAGCAGTGACTCAGGTGGGGAGAACATCAT[G>T]GGGATGAGTGAACTTTGAGGATGGGGGTGCAATCTACTGTGCAGCTCATTCCGGCCAGAC-3'
Protein context (NP_056161.2, residues 817-837): LHPHPQSSLI[Pro827=]MMFSPPESLL